The following is an entry in ClinVar:

ClinVar aggregate classification (germline): Uncertain significance (1 of 4 stars; one submission).

gnomAD v4.1: 14 of 1,613,788 alleles (0.00087%); highest among the groups gnomAD compares: Non-Finnish European, 0.001%; no homozygotes.

Submission:

CeGaT Center for Human Genetics Tuebingen
Classification: Uncertain significance. Last evaluated: 2024-11-01. Review status: criteria provided, single submitter. Criteria: CeGaT Center For Human Genetics Tuebingen Variant Classification Criteria Version 2. Collection method: clinical testing. Allele origin: germline. Affected: yes. Observed: 1 variant allele.
Comment: FLG: PM2, BP4

NM_002016.2(FLG):c.1778C>T (p.Ser593Phe)

Genes: CCDST (cervical cancer associated DHX9 suppressive transcript; plus strand), FLG (filaggrin; minus strand). Cytogenetic location: 1q21.3.
Variant type: single nucleotide variant.
Coding change: c.1778C>T on transcript NM_002016.2 (MANE Select); coding-DNA position 1778, C replaced by T.
Protein change: p.Ser593Phe; replaces serine 593 with phenylalanine.
Molecular consequence: missense variant.
Genome position (GRCh38, 1-based): chr1:152,313,108, G>A on the plus strand (C>T on the coding strand, the complement: FLG is on the minus strand). VCF-style: chr1-152313108-G-A. GRCh37 (hg19) VCF-style: chr1-152285584-G-A.
Other names: short protein forms S593F.
Identifiers: ClinVar variation 3389190 (VCV003389190.14).